The following is an entry in ClinVar:

ClinVar aggregate classification (germline): Uncertain significance (1 of 4 stars; one submission).

Conditions:
Blau syndrome (BLAUS). Also called: ARTHROCUTANEOUVEAL GRANULOMATOSIS; GRANULOMATOSIS, FAMILIAL JUVENILE SYSTEMIC; GRANULOMATOSIS, FAMILIAL, BLAU TYPE; GRANULOMATOUS INFLAMMATORY ARTHRITIS, DERMATITIS, AND UVEITIS, FAMILIAL; JABS SYNDROME. Identifiers: Orphanet 90340, MedGen C5201146, MONDO:0008523, OMIM 186580.
Regional enteritis. Also called: Enteritis, Granulomatous. Identifiers: MedGen C0678202, MeSH D003424.

Allele frequency attached by ClinVar (database versions not stated): gnomAD 0.00001; ExAC 0.00002; gnomAD exomes 0.00002; TOPMed 0.00002; ESP Exome Variant Server 0.00015.
gnomAD v4.1: 29 of 1,613,838 alleles (0.0018%); highest among the groups gnomAD compares: African/African-American, 0.0027%; no homozygotes.

Submission:

Labcorp Genetics (formerly Invitae), Labcorp
Classification: Uncertain significance for Regional enteritis; Blau syndrome. Last evaluated: 2025-10-21. Review status: criteria provided, single submitter. Criteria: Invitae Variant Classification Sherloc (09022015). Collection method: clinical testing. Allele origin: germline.
Comment: This sequence change replaces arginine, which is basic and polar, with cysteine, which is neutral and slightly polar, at codon 760 of the NOD2 protein (p.Arg760Cys). This variant is present in population databases (rs3813758, gnomAD 0.005%). This missense change has been observed in individual(s) with Crohn’s disease (PMID: 16485124). ClinVar contains an entry for this variant (Variation ID: 662116). Invitae Evidence Modeling of protein sequence and biophysical properties (such as structural, functional, and spatial information, amino acid conservation, physicochemical variation, residue mobility, and thermodynamic stability) indicates that this missense variant is not expected to disrupt NOD2 protein function with a negative predictive value of 95%. In summary, the available evidence is currently insufficient to determine the role of this variant in disease. Therefore, it has been classified as a Variant of Uncertain Significance.

Literature cited by the submitters: PubMed 16485124.

NM_001370466.1(NOD2):c.2197C>T (p.Arg733Cys)

Gene: NOD2 (nucleotide binding oligomerization domain containing 2; plus strand). Cytogenetic location: 16q12.1.
Variant type: single nucleotide variant.
Coding change: c.2197C>T on transcript NM_001370466.1 (MANE Select); coding-DNA position 2197, C replaced by T.
Protein change: p.Arg733Cys; replaces arginine 733 with cysteine.
Molecular consequence: missense variant. On other transcripts: non-coding transcript variant (1).
Genome position (GRCh38, 1-based): chr16:50,712,189, C>T. VCF-style: chr16-50712189-C-T. GRCh37 (hg19) VCF-style: chr16-50746100-C-T.
Other names: c.2197C>T, p.Arg733Cys (NM_001293557.2); c.2278C>T, p.Arg760Cys (NM_022162.3); short protein forms R760C, R733C.
Identifiers: ClinVar variation 662116 (VCV000662116.11), dbSNP rs3813758, ClinGen allele CA8051747.